The following is an entry in ClinVar:

ClinVar aggregate classification (germline): Uncertain significance (1 of 4 stars; one submission).

Conditions:
Inborn genetic diseases. Identifiers: MedGen C0950123, MeSH D030342.

Submission:

Ambry Genetics
Classification: Uncertain significance for Inborn genetic diseases. Last evaluated: 2025-04-19. Review status: criteria provided, single submitter. Criteria: Ambry Variant Classification Scheme 2023. Collection method: clinical testing. Allele origin: germline.
Comment: The p.R25S variant (also known as c.75G>T), located in coding exon 1 of the USB1 gene, results from a G to T substitution at nucleotide position 75. The arginine at codon 25 is replaced by serine, an amino acid with dissimilar properties. This amino acid position is conserved. In addition, this alteration is predicted to be tolerated by in silico analysis. Based on the available evidence, the clinical significance of this variant remains unclear.

NM_024598.4(USB1):c.75G>T (p.Arg25Ser)

Genes: USB1 (U6 snRNA biogenesis phosphodiesterase 1; plus strand), LOC130059131 (ATAC-STARR-seq lymphoblastoid active region 10920; plus strand). Cytogenetic location: 16q21.
Variant type: single nucleotide variant.
Coding change: c.75G>T on transcript NM_024598.4 (MANE Select); coding-DNA position 75, G replaced by T.
Protein change: p.Arg25Ser; replaces arginine 25 with serine.
Molecular consequence: missense variant. On other transcripts: intron variant (1).
Genome position (GRCh38, 1-based): chr16:58,001,558, G>T. VCF-style: chr16-58001558-G-T. GRCh37 (hg19) VCF-style: chr16-58035462-G-T.
Other names: c.75G>T, p.Arg25Ser (NM_001195302.2, NM_001204911.2, NM_001330569.2); c.-55-921G>T (NM_001330568.2); short protein forms R25S.
Identifiers: ClinVar variation 3978163 (VCV003978163.1).